The following is an entry in ClinVar:

ClinVar aggregate classification (germline): Uncertain significance. Review status: criteria provided, multiple submitters, no conflicts (2 of 4 stars). 4 submissions from 4 submitters: Uncertain significance (3). 1 of the submissions does not count toward it. Last evaluated 2023-10-03.

Conditions:
Inborn genetic diseases. Identifiers: MedGen C0950123, MeSH D030342.
Neuronal ceroid lipofuscinosis 2. Also called: JANSKY-BIELSCHOWSKY DISEASE NEURONAL CEROID LIPOFUSCINOSIS, LATE INFANTILE; TPP1-Related Neuronal Ceroid-Lipofuscinosis. Identifiers: Orphanet 168491, Orphanet 228349, Orphanet 79264, MedGen C1876161, MONDO:0008769, OMIM 204500.

Allele frequency attached by ClinVar (database versions not stated): TOPMed 0.00001; gnomAD 0.00003; 1000 Genomes Project 30x 0.00016.
gnomAD v4.1: 22 of 1,614,158 alleles (0.0014%); highest among the groups gnomAD compares: East Asian, 0.0067%; no homozygotes.

Submissions (4):

Ambry Genetics
Classification: Uncertain significance for Inborn genetic diseases. Last evaluated: 2023-10-03. Review status: criteria provided, single submitter. Criteria: Ambry Variant Classification Scheme 2023. Collection method: clinical testing. Allele origin: germline.

Labcorp Genetics (formerly Invitae), Labcorp
Classification: Uncertain significance. Last evaluated: 2022-09-27. Review status: criteria provided, single submitter. Criteria: Invitae Variant Classification Sherloc (09022015). Collection method: clinical testing. Allele origin: germline.
Comment: This sequence change replaces proline, which is neutral and non-polar, with alanine, which is neutral and non-polar, at codon 499 of the TPP1 protein (p.Pro499Ala). This variant is present in population databases (rs201126448, gnomAD 0.005%). This variant has not been reported in the literature in individuals affected with TPP1-related conditions. ClinVar contains an entry for this variant (Variation ID: 502454). Advanced modeling of protein sequence and biophysical properties (such as structural, functional, and spatial information, amino acid conservation, physicochemical variation, residue mobility, and thermodynamic stability) performed at Invitae indicates that this missense variant is not expected to disrupt TPP1 protein function. In summary, the available evidence is currently insufficient to determine the role of this variant in disease. Therefore, it has been classified as a Variant of Uncertain Significance.

Eurofins Ntd Llc (ga)
Classification: Uncertain significance. Last evaluated: 2017-06-19. Review status: criteria provided, single submitter. Criteria: EGL Classification Definitions 2015. Collection method: clinical testing. Allele origin: germline. Observed: 1 variant allele, 1 heterozygote.

Natera, Inc.
Classification: Uncertain significance for Neuronal ceroid lipofuscinosis 2. Last evaluated: 2019-11-11. Review status: no assertion criteria provided. Collection method: clinical testing. Allele origin: germline. Not counted in ClinVar's aggregate classification.

NM_000391.4(TPP1):c.1495C>G (p.Pro499Ala)

Gene: TPP1 (tripeptidyl peptidase 1; minus strand). Cytogenetic location: 11p15.4.
Variant type: single nucleotide variant.
Coding change: c.1495C>G on transcript NM_000391.4 (MANE Select); coding-DNA position 1495, C replaced by G.
Protein change: p.Pro499Ala; replaces proline 499 with alanine.
Molecular consequence: missense variant.
Genome position (GRCh38, 1-based): chr11:6,614,922, G>C on the plus strand (C>G on the coding strand, the complement: TPP1 is on the minus strand). VCF-style: chr11-6614922-G-C. GRCh37 (hg19) VCF-style: chr11-6636153-G-C.
Other names: short protein forms P499A.
Identifiers: ClinVar variation 502454 (VCV000502454.9), dbSNP rs201126448, ClinGen allele CA5858632.